The following is an entry in ClinVar:

NM_032043.3(BRIP1):c.1141-126_1141-125del

Gene: BRIP1 (BRCA1 interacting helicase 1; minus strand). Cytogenetic location: 17q23.2.
Variant type: Microsatellite.
Coding change: c.1141-126_1141-125del on transcript NM_032043.3 (MANE Select); 126 bases into the intron before coding-DNA position 1141 through 125 bases into the intron before coding-DNA position 1141, 2 bases deleted (CT; older notation c.1141-126_1141-125delCT).
Molecular consequence: intron variant.
Genome position (GRCh38, 1-based): chr17:61,799,424-61,799,425, AG deleted on the plus strand (CT on the coding strand, the reverse complement: BRIP1 is on the minus strand); deleting any 2 consecutive bases within chr17:61,799,424-61,799,428 gives the same sequence; the c. name uses the placement nearest the transcript's 3' end. VCF-style (leftmost placement, unchanged base first): chr17-61799423-CAG-C. GRCh37 (hg19) VCF-style: chr17-59876784-CAG-C.
Identifiers: ClinVar variation 676467 (VCV000676467.1), dbSNP rs5821340, ClinGen allele CA292285748.
Genomic context (GRCh38, chr17:61,799,423, plus strand): 5'-GATATTTCATTTTAAAATTCACACTATAGGCCAATATTGCAAATGCAATTACATAAGCAA[CAG>C]AGATTCTAGGTCTTAAATAAAACTTCTGAAGCACTATGGCCAACCAAATATCAGCTCTAC-3'

ClinVar aggregate classification (germline): Benign (1 of 4 stars; one submission).

Submission:

GeneDx
Classification: Benign. Last evaluated: 2018-06-20. Review status: criteria provided, single submitter. Criteria: GeneDx Variant Classification (06012015). Collection method: clinical testing. Allele origin: germline. Affected: yes.
Comment: This variant is considered likely benign or benign based on one or more of the following criteria: it is a conservative change, it occurs at a poorly conserved position in the protein, it is predicted to be benign by multiple in silico algorithms, and/or has population frequency not consistent with disease.